The following is an entry in ClinVar:

ClinVar aggregate classification (germline): Uncertain significance (1 of 4 stars; one submission).

gnomAD v4.1: 9 of 1,612,382 alleles (0.00056%); highest among the groups gnomAD compares: Middle Eastern, 0.016%; no homozygotes.

Submission:

Labcorp Genetics (formerly Invitae), Labcorp
Classification: Uncertain significance. Last evaluated: 2025-05-12. Review status: criteria provided, single submitter. Criteria: Invitae Variant Classification Sherloc (09022015). Collection method: clinical testing. Allele origin: germline.
Comment: This sequence change replaces proline, which is neutral and non-polar, with arginine, which is basic and polar, at codon 258 of the RHOBTB2 protein (p.Pro258Arg). This variant is not present in population databases (gnomAD no frequency). This variant has not been reported in the literature in individuals affected with RHOBTB2-related conditions. Invitae Evidence Modeling of protein sequence and biophysical properties (such as structural, functional, and spatial information, amino acid conservation, physicochemical variation, residue mobility, and thermodynamic stability) has been performed for this missense variant. However, the output from this modeling did not meet the statistical confidence thresholds required to predict the impact of this variant on RHOBTB2 protein function. In summary, the available evidence is currently insufficient to determine the role of this variant in disease. Therefore, it has been classified as a Variant of Uncertain Significance.

NM_015178.3(RHOBTB2):c.707C>G (p.Pro236Arg)

Gene: RHOBTB2 (Rho related BTB domain containing 2; plus strand). Cytogenetic location: 8p21.3.
Variant type: single nucleotide variant.
Coding change: c.707C>G on transcript NM_015178.3 (MANE Select); coding-DNA position 707, C replaced by G.
Protein change: p.Pro236Arg; replaces proline 236 with arginine.
Molecular consequence: missense variant.
Genome position (GRCh38, 1-based): chr8:23,006,952, C>G. VCF-style: chr8-23006952-C-G. GRCh37 (hg19) VCF-style: chr8-22864465-C-G.
Other names: c.773C>G, p.Pro258Arg (NM_001160036.2); c.728C>G, p.Pro243Arg (NM_001160037.2); c.707C>G, p.Pro236Arg (NM_001374791.1); short protein forms P236R, P258R, P243R.
Identifiers: ClinVar variation 4691887 (VCV004691887.1).